The following is an entry in ClinVar:

ClinVar aggregate classification (germline): Uncertain significance. Review status: criteria provided, multiple submitters, no conflicts (2 of 4 stars). 2 submissions from 2 submitters: Uncertain significance (2). Last evaluated 2025-09-25.

Conditions:
PDE6A-related disorder. Also called: PDE6A-related condition.

gnomAD v4.1: 1 of 1,613,232 alleles (0.000062%); highest among the groups gnomAD compares: Non-Finnish European, 0.000085%; no homozygotes.

Submissions (2):

PreventionGenetics, part of Exact Sciences
Classification: Uncertain significance for PDE6A-related condition. Last evaluated: 2025-09-25. Review status: criteria provided, single submitter. Criteria: ACMG Guidelines, 2015. Collection method: clinical testing. Allele origin: germline.
Comment: The PDE6A c.1370A>G variant is predicted to result in the amino acid substitution p.His457Arg. To our knowledge, this variant has not been reported in the literature or in a large population database (gnomAD), indicating this variant is rare. At this time, the clinical significance of this variant is uncertain due to the absence of conclusive functional and genetic evidence.

Blueprint Genetics
Classification: Uncertain significance. Last evaluated: 2022-10-20. Review status: criteria provided, single submitter. Criteria: ACMG Guidelines, 2015. Collection method: clinical testing. Allele origin: germline.

NM_000440.3(PDE6A):c.1370A>G (p.His457Arg)

Gene: PDE6A (phosphodiesterase 6A; minus strand). Cytogenetic location: 5q32.
Variant type: single nucleotide variant.
Coding change: c.1370A>G on transcript NM_000440.3 (MANE Select); coding-DNA position 1370, A replaced by G.
Protein change: p.His457Arg; replaces histidine 457 with arginine.
Molecular consequence: missense variant.
Genome position (GRCh38, 1-based): chr5:149,898,400, T>C on the plus strand (A>G on the coding strand, the complement: PDE6A is on the minus strand). VCF-style: chr5-149898400-T-C. GRCh37 (hg19) VCF-style: chr5-149277963-T-C.
Other names: c.1127A>G, p.His376Arg (NM_001410788.1); c.1370A>G (NM_000440.2); short protein forms H376R, H457R.
Identifiers: ClinVar variation 4972485 (VCV004972485.2).